The following is an entry in ClinVar:

ClinVar aggregate classification (germline): Likely benign (1 of 4 stars; one submission).

gnomAD v4.1: 1 of 1,614,002 alleles (0.000062%); highest among the groups gnomAD compares: Non-Finnish European, 0.000085%; no homozygotes.

Submission:

Women's Health and Genetics/Laboratory Corporation of America, LabCorp
Classification: Likely benign. Last evaluated: 2025-07-02. Review status: criteria provided, single submitter. Criteria: LabCorp Variant Classification Summary - May 2015. Collection method: clinical testing. Allele origin: germline.
Comment: Variant summary: DCTN1 c.1288-18A>T alters a nucleotide located at a position not widely known to affect splicing. Consensus agreement among computation tools predict no significant impact on normal splicing. However, these predictions have yet to be confirmed by functional studies. The variant was absent in 1614002 control chromosomes. The available data on variant occurrences in the general population are insufficient to allow any conclusion about variant significance. To our knowledge, no occurrence of c.1288-18A>T in individuals affected with Neuronopathy, distal hereditary motor, type 7B and no experimental evidence demonstrating its impact on protein function have been reported. No submitters have cited clinical-significance assessments for this variant to ClinVar. Based on the evidence outlined above, the variant was classified as likely benign.

NM_004082.5(DCTN1):c.1288-18A>T

Gene: DCTN1 (dynactin subunit 1; minus strand). Cytogenetic location: 2p13.1.
Variant type: single nucleotide variant.
Coding change: c.1288-18A>T on transcript NM_004082.5 (MANE Select); 18 bases into the intron before coding-DNA position 1288, A replaced by T.
Molecular consequence: intron variant.
Genome position (GRCh38, 1-based): chr2:74,370,087, T>A on the plus strand (A>T on the coding strand, the complement: DCTN1 is on the minus strand). VCF-style: chr2-74370087-T-A. GRCh37 (hg19) VCF-style: chr2-74597214-T-A.
Other names: c.1177-18A>T (NM_001190836.2); c.1219-18A>T (NM_001378992.1); c.1237-18A>T (NM_001378991.1); c.1228-18A>T (NM_001135040.3); c.1267-18A>T (NM_001190837.2); c.886-18A>T (NM_001135041.3, NM_023019.4).
Identifiers: ClinVar variation 3911971 (VCV003911971.2).
Genomic context (GRCh38, chr2:74,370,087, plus strand): 5'-TCAGCATCTCCACCATCTCCTCAGCACCCAGAGCAGCATCCACCTGTGTTACGGGGAGGA[T>A]AGGGAGAAGGGCTGCTGGAAGGTACCTAGAAAGAGGAGGCATCAACTGATAGGAGAGTCA-3'